The following is an entry in ClinVar:

NM_000064.4(C3):c.3635C>T (p.Thr1212Ile)

Gene: C3 (complement C3; minus strand). Cytogenetic location: 19p13.3.
Variant type: single nucleotide variant.
Coding change: c.3635C>T on transcript NM_000064.4 (MANE Select); coding-DNA position 3635, C replaced by T.
Protein change: p.Thr1212Ile; replaces threonine 1212 with isoleucine.
Molecular consequence: missense variant.
Genome position (GRCh38, 1-based): chr19:6,686,757, G>A on the plus strand (C>T on the coding strand, the complement: C3 is on the minus strand). VCF-style: chr19-6686757-G-A. GRCh37 (hg19) VCF-style: chr19-6686768-G-A.
Other names: short protein forms T1212I.
Identifiers: ClinVar variation 3377658 (VCV003377658.1).

ClinVar aggregate classification (germline): Uncertain significance (1 of 4 stars; one submission).

Conditions:
Hemolytic uremic syndrome, atypical, susceptibility to, 1. Also called: AHUS, SUSCEPTIBILITY TO, 1. Identifiers: Orphanet 2134, Orphanet 90038, MedGen C2749604, MONDO:0009335, OMIM 235400. Disease mechanism: Other.

gnomAD v4.1: 2 of 1,613,798 alleles (0.00012%); highest among the groups gnomAD compares: African/African-American, 0.0013%; no homozygotes.

Submission:

Neuberg Centre For Genomic Medicine, NCGM
Classification: Uncertain significance for Hemolytic uremic syndrome, atypical, susceptibility to, 1. Last evaluated: 2023-06-22. Review status: criteria provided, single submitter. Criteria: ACMG Guidelines, 2015. Collection method: clinical testing. Allele origin: germline. Inheritance: Autosomal dominant inheritance. Affected: yes.
Comment: The missense variant c.3635C>T (p.Thr1212Ile) in the C3 gene has not been reported previously as a pathogenic variant nor as a benign variant, to our knowledge. This variant is reported with the allele frequency (0.003%) in the gnomAD Exomes. The amino acid Thr at position 1212 is changed to a Ile changing protein sequence and it might alter its composition and physico-chemical properties. Computational evidence (Polyphen, SIFT and MutationTaster) predicts conflicting evidence on protein structure and function for this variant. For these reasons, this variant has been classified as Uncertain Significance